The following is an entry in ClinVar:

ClinVar aggregate classification (germline): Uncertain significance (1 of 4 stars; one submission).

Conditions:
Cataract 12 multiple types. Identifiers: Orphanet 91492, MedGen C3808115, MONDO:0012701, OMIM 611597.

Submission:

Labcorp Genetics (formerly Invitae), Labcorp
Classification: Uncertain significance for Cataract 12 multiple types. Last evaluated: 2025-09-02. Review status: criteria provided, single submitter. Criteria: Invitae Variant Classification Sherloc (09022015). Collection method: clinical testing. Allele origin: germline.
Comment: This sequence change replaces serine, which is neutral and polar, with glycine, which is neutral and non-polar, at codon 414 of the BFSP2 protein (p.Ser414Gly). This variant is not present in population databases (gnomAD no frequency). This variant has not been reported in the literature in individuals affected with BFSP2-related conditions. An algorithm developed to predict the effect of missense changes on protein structure and function outputs the following: PolyPhen-2: "Possibly Damaging". The glycine amino acid residue is found in multiple mammalian species, which suggests that this missense change does not adversely affect protein function. In summary, the available evidence is currently insufficient to determine the role of this variant in disease. Therefore, it has been classified as a Variant of Uncertain Significance.

NM_003571.4(BFSP2):c.1240A>G (p.Ser414Gly)

Genes: BFSP2-AS1 (BFSP2 antisense RNA 1; minus strand), BFSP2 (beaded filament structural protein 2; plus strand). Cytogenetic location: 3q22.1.
Variant type: single nucleotide variant.
Coding change: c.1240A>G on transcript NM_003571.4 (MANE Select); coding-DNA position 1240, A replaced by G.
Protein change: p.Ser414Gly; replaces serine 414 with glycine.
Molecular consequence: missense variant.
Genome position (GRCh38, 1-based): chr3:133,472,561, A>G. VCF-style: chr3-133472561-A-G. GRCh37 (hg19) VCF-style: chr3-133191405-A-G.
Other names: short protein forms S414G.
Identifiers: ClinVar variation 4711029 (VCV004711029.1).